The following is an entry in ClinVar:

NM_033109.5(PNPT1):c.2106G>C (p.Met702Ile)

Gene: PNPT1 (polyribonucleotide nucleotidyltransferase 1; minus strand). Cytogenetic location: 2p16.1.
Variant type: single nucleotide variant.
Coding change: c.2106G>C on transcript NM_033109.5 (MANE Select); coding-DNA position 2106, G replaced by C.
Protein change: p.Met702Ile; replaces methionine 702 with isoleucine.
Molecular consequence: missense variant.
Genome position (GRCh38, 1-based): chr2:55,640,669, C>G on the plus strand (G>C on the coding strand, the complement: PNPT1 is on the minus strand). VCF-style: chr2-55640669-C-G. GRCh37 (hg19) VCF-style: chr2-55867804-C-G.
Other names: short protein forms M702I.
Identifiers: ClinVar variation 2582501 (VCV002582501.2), dbSNP rs148804101, ClinGen allele CA1667805.

ClinVar aggregate classification (germline): Uncertain significance (1 of 4 stars; one submission).

Conditions:
Autosomal recessive nonsyndromic hearing loss 70. Also called: Deafness, autosomal recessive 70. Identifiers: Orphanet 90636, MedGen C1824925, MONDO:0013978, OMIM 614934.
Combined oxidative phosphorylation defect type 13. Also called: Combined oxidative phosphorylation deficiency 13. Identifiers: Orphanet 319514, MedGen C4706283, MONDO:0013977, OMIM 614932.
Spinocerebellar ataxia type 25. Identifiers: Orphanet 101111, MedGen C1837518, MONDO:0012103, OMIM 608703.

Allele frequency attached by ClinVar (database versions not stated): gnomAD 0.00001; TOPMed 0.00001; ExAC 0.00002; ESP Exome Variant Server 0.00008.
gnomAD v4.1: 41 of 1,592,790 alleles (0.0026%); highest among the groups gnomAD compares: Admixed American, 0.0067%; no homozygotes.

Submission:

Baylor Genetics
Classification: Uncertain significance for Autosomal recessive nonsyndromic hearing loss 70. Last evaluated: 2023-01-08. Review status: criteria provided, single submitter. Criteria: ACMG Guidelines, 2015. Collection method: clinical testing. Allele origin: unknown.